The following is an entry in ClinVar:

NM_207122.2(EXT2):c.1257T>A (p.Tyr419Ter)

Gene: EXT2 (exostosin glycosyltransferase 2; plus strand). Cytogenetic location: 11p11.2.
Variant type: single nucleotide variant.
Coding change: c.1257T>A on transcript NM_207122.2 (MANE Select); coding-DNA position 1257, T replaced by A.
Protein change: p.Tyr419Ter; replaces tyrosine 419 with a stop codon.
Molecular consequence: nonsense.
Genome position (GRCh38, 1-based): chr11:44,171,694, T>A. VCF-style: chr11-44171694-T-A. GRCh37 (hg19) VCF-style: chr11-44193244-T-A.
Other names: c.1287T>A, p.Tyr429Ter (NM_001178083.3); c.1257T>A, p.Tyr419Ter (NM_001389628.1, NM_001389630.1); c.1356T>A, p.Tyr452Ter (NM_000401.3); short protein forms Y452*, Y429*, Y419*.
Identifiers: ClinVar variation 939118 (VCV000939118.10), dbSNP rs1955076595, ClinGen allele CA380175485.

ClinVar aggregate classification (germline): Pathogenic (1 of 4 stars; one submission).

Conditions:
Exostoses, multiple, type 2 (EXT2). Also called: Hereditary Multiple Osteochondromatosis, Type II; EXOSTOSES, MULTIPLE, TYPE II. Identifiers: Orphanet 321, MedGen C1851413, MONDO:0007586, OMIM 133701.

Submission:

Labcorp Genetics (formerly Invitae), Labcorp
Classification: Pathogenic for Exostoses, multiple, type 2. Last evaluated: 2019-09-03. Review status: criteria provided, single submitter. Criteria: Invitae Variant Classification Sherloc (09022015). Collection method: clinical testing. Allele origin: germline.
Comment: This sequence change creates a premature translational stop signal (p.Tyr419*) in the EXT2 gene. It is expected to result in an absent or disrupted protein product. This variant is not present in population databases (ExAC no frequency). This variant has been observed in individuals affected with multiple osteochondromas (PMID: 11432960, Invitae). Loss-of-function variants in EXT2 are known to be pathogenic (PMID: 10679937, 19810120). For these reasons, this variant has been classified as Pathogenic.

Literature cited by the submitters: PubMed 11432960; PubMed 10679937; PubMed 19810120.